The following is an entry in ClinVar:

NM_001829.4(CLCN3):c.556A>G (p.Lys186Glu)

Gene: CLCN3 (chloride voltage-gated channel 3; plus strand). Cytogenetic location: 4q33.
Variant type: single nucleotide variant.
Coding change: c.556A>G on transcript NM_001829.4 (MANE Select); coding-DNA position 556, A replaced by G.
Protein change: p.Lys186Glu; replaces lysine 186 with glutamic acid.
Molecular consequence: missense variant.
Genome position (GRCh38, 1-based): chr4:169,689,180, A>G. VCF-style: chr4-169689180-A-G. GRCh37 (hg19) VCF-style: chr4-170610331-A-G.
Other names: c.556A>G, p.Lys186Glu (NM_001243372.2, NM_173872.4); c.475A>G, p.Lys159Glu (NM_001243374.2); short protein forms K159E, K186E.
Identifiers: ClinVar variation 2633742 (VCV002633742.2), dbSNP rs2477000572, ClinGen allele CA358737014.

ClinVar aggregate classification (germline): Uncertain significance. Review status: criteria provided, multiple submitters, no conflicts (2 of 4 stars). 2 submissions from 2 submitters: Uncertain significance (2). Last evaluated 2023-07-05.

Conditions:
CLCN3-related disorder. Also called: CLCN3-related condition.

Allele frequency attached by ClinVar (database versions not stated): gnomAD exomes below 0.00001.
gnomAD v4.1: 2 of 1,613,996 alleles (0.00012%); highest among the groups gnomAD compares: Non-Finnish European, 0.00017%; no homozygotes.

Submissions (2):

GeneDx
Classification: Uncertain significance. Last evaluated: 2023-07-05. Review status: criteria provided, single submitter. Criteria: GeneDx Variant Classification Process June 2021. Collection method: clinical testing. Allele origin: germline. Affected: yes.
Comment: Not observed at significant frequency in large population cohorts (gnomAD); In silico analysis supports that this missense variant does not alter protein structure/function; Has not been previously published as pathogenic or benign to our knowledge

PreventionGenetics, part of Exact Sciences
Classification: Uncertain significance for CLCN3-related condition. Last evaluated: 2023-03-11. Review status: criteria provided, single submitter. Criteria: ACMG Guidelines, 2015. Collection method: clinical testing. Allele origin: germline.
Comment: The CLCN3 c.556A>G variant is predicted to result in the amino acid substitution p.Lys186Glu. To our knowledge, this variant has not been reported in the literature or in a large population database, indicating this variant is rare. At this time, the clinical significance of this variant is uncertain due to the absence of conclusive functional and genetic evidence.